The following is an entry in ClinVar:

NM_001613.4(ACTA2):c.259-11C>A

Gene: ACTA2 (actin alpha 2, smooth muscle; minus strand). Cytogenetic location: 10q23.31.
Variant type: single nucleotide variant.
Coding change: c.259-11C>A on transcript NM_001613.4 (MANE Select); 11 bases into the intron before coding-DNA position 259, C replaced by A.
Molecular consequence: intron variant.
Genome position (GRCh38, 1-based): chr10:88,943,918, G>T on the plus strand (C>A on the coding strand, the complement: ACTA2 is on the minus strand). VCF-style: chr10-88943918-G-T. GRCh37 (hg19) VCF-style: chr10-90703675-G-T.
Other names: c.130-11C>A (NM_001406467.1, NM_001406468.1, NM_001406469.1); c.259-11C>A (NM_001320855.2, NM_001406462.1, NM_001406471.1 and 3 more transcripts); c.259-2049C>A (NM_001406466.1).
Identifiers: ClinVar variation 2200493 (VCV002200493.5), dbSNP rs1759218378, ClinGen allele CA1926605999.

ClinVar aggregate classification (germline): Likely benign. Review status: criteria provided, multiple submitters, no conflicts (2 of 4 stars). 2 submissions from 2 submitters: Likely benign (2). Last evaluated 2024-05-14.

Conditions:
Aortic aneurysm, familial thoracic 6 (AAT6). Also called: FAMILIAL THORACIC AORTIC ANEURYSM WITH LIVEDO RETICULARIS AND IRIS FLOCCULI. Identifiers: MedGen C2673186, MONDO:0012730, OMIM 611788.
Familial thoracic aortic aneurysm and aortic dissection (TAAD). Also called: Thoracic aortic aneurysms and dissections. Identifiers: Orphanet 91387, MedGen C4707243, MONDO:0019625.

Allele frequency attached by ClinVar (database versions not stated): TOPMed below 0.00001.

Submissions (2):

All of Us Research Program, National Institutes of Health
Classification: Likely benign for Familial thoracic aortic aneurysm and aortic dissection. Last evaluated: 2024-05-14. Review status: criteria provided, single submitter. Criteria: ACMG Guidelines, 2015. Collection method: clinical testing. Allele origin: germline. Inheritance: Autosomal dominant inheritance. Observed: 1 variant allele, 1 heterozygote.
Comment: This study involves interpretation of variants in research participants for the purpose of population health screening. Participant phenotype was not available at the time of variant classification. Additional details can be found in publication PMID: 35346344, PMCID: PMC8962531

Labcorp Genetics (formerly Invitae), Labcorp
Classification: Likely benign for Aortic aneurysm, familial thoracic 6. Last evaluated: 2023-07-21. Review status: criteria provided, single submitter. Criteria: Invitae Variant Classification Sherloc (09022015). Collection method: clinical testing. Allele origin: germline.